The following is an entry in ClinVar:

NM_005751.5(AKAP9):c.11194T>A (p.Cys3732Ser)

Gene: AKAP9 (A-kinase anchoring protein 9; plus strand). Cytogenetic location: 7q21.2.
Variant type: single nucleotide variant.
Coding change: c.11194T>A on transcript NM_005751.5 (MANE Select); coding-DNA position 11194, T replaced by A.
Protein change: p.Cys3732Ser; replaces cysteine 3732 with serine.
Molecular consequence: missense variant.
Genome position (GRCh38, 1-based): chr7:92,102,690, T>A. VCF-style: chr7-92102690-T-A. GRCh37 (hg19) VCF-style: chr7-91732004-T-A.
Other names: c.5839T>A, p.Cys1947Ser (NM_001379277.1); c.11170T>A, p.Cys3724Ser (NM_147185.3); short protein forms C3724S, C1947S, C3732S.
Identifiers: ClinVar variation 2057987 (VCV002057987.4), dbSNP rs2535318016, ClinGen allele CA368162328.
Genomic context (GRCh38, chr7:92,102,690, plus strand): 5'-CGAAAGGCTCTCATTTACCAGAAGAAATACCTGCTGCTGTTACTGGGTGGGTTCCAGGAA[T>A]GTGAAGATGCCACCTTGGCCCTGCTTGCCCGGATGGGGGGGCAGCCAGCTTTCACGGATC-3'
Protein context (NP_005742.4, residues 3722-3742): LLLLLGGFQE[Cys3732Ser]EDATLALLAR

ClinVar aggregate classification (germline): Uncertain significance (1 of 4 stars; one submission).

Conditions:
Long QT syndrome (LQTS). Identifiers: MedGen C0023976, MeSH D008133, MONDO:0002442. Disease mechanism: loss of function. Inheritance: Various modes of inheritance.

Submission:

Labcorp Genetics (formerly Invitae), Labcorp
Classification: Uncertain significance for Long QT syndrome. Last evaluated: 2021-12-24. Review status: criteria provided, single submitter. Criteria: Invitae Variant Classification Sherloc (09022015). Collection method: clinical testing. Allele origin: germline.
Comment: In summary, the available evidence is currently insufficient to determine the role of this variant in disease. Therefore, it has been classified as a Variant of Uncertain Significance. This sequence change replaces cysteine, which is neutral and slightly polar, with serine, which is neutral and polar, at codon 3732 of the AKAP9 protein (p.Cys3732Ser). This variant is not present in population databases (gnomAD no frequency). This variant has not been reported in the literature in individuals affected with AKAP9-related conditions. Algorithms developed to predict the effect of missense changes on protein structure and function are either unavailable or do not agree on the potential impact of this missense change (SIFT: "Deleterious"; PolyPhen-2: "Probably Damaging"; Align-GVGD: "Class C0").